The following is an entry in ClinVar:

ClinVar aggregate classification (germline): Benign/Likely benign. Review status: criteria provided, multiple submitters, no conflicts (2 of 4 stars). 5 submissions from 5 submitters: Benign (1); Likely benign (4). Last evaluated 2025-12-29.

Conditions:
Hereditary cancer-predisposing syndrome. Also called: Hereditary neoplastic syndrome; Hereditary Cancer Syndrome; Neoplastic Syndromes, Hereditary; Tumor predisposition. Identifiers: Orphanet 140162, MedGen C0027672, MeSH D009386, MONDO:0015356.
Familial melanoma. Also called: Hereditary melanoma; Hereditary cutaneous melanoma. Identifiers: Orphanet 618, MedGen C1512419, MONDO:0018961.
Melanoma, cutaneous malignant, susceptibility to, 3. Also called: Cutaneous malignant melanoma 3. Identifiers: Orphanet 618, MedGen C1836892, MONDO:0012183, OMIM 609048.

Allele frequency attached by ClinVar (database versions not stated): gnomAD exomes below 0.00001; TOPMed 0.00002.
gnomAD v4.1: 3 of 1,614,202 alleles (0.00019%); highest among the groups gnomAD compares: East Asian, 0.0022%; no homozygotes.

Submissions (5):

Center for Genomic Medicine, Rigshospitalet, Copenhagen University Hospital
Classification: Likely benign. Last evaluated: 2025-12-29. Review status: criteria provided, single submitter. Criteria: ACMG Guidelines, 2015. Collection method: clinical testing. Allele origin: germline.

Labcorp Genetics (formerly Invitae), Labcorp
Classification: Likely benign for Familial melanoma. Last evaluated: 2025-12-08. Review status: criteria provided, single submitter. Criteria: Invitae Variant Classification Sherloc (09022015). Collection method: clinical testing. Allele origin: germline.

Myriad Genetics, Inc.
Classification: Benign for Melanoma, cutaneous malignant, susceptibility to, 3. Last evaluated: 2024-09-26. Review status: criteria provided, single submitter. Criteria: Myriad Autosomal Dominant, Autosomal Recessive and X-Linked Classification Criteria (2023). Collection method: clinical testing. Allele origin: unknown.
Comment: This variant is considered benign. This variant is a silent/synonymous amino acid change and it is not expected to impact splicing.

Women's Health and Genetics/Laboratory Corporation of America, LabCorp
Classification: Likely benign. Last evaluated: 2023-06-10. Review status: criteria provided, single submitter. Criteria: LabCorp Variant Classification Summary - May 2015. Collection method: clinical testing. Allele origin: germline.

Ambry Genetics
Classification: Likely benign for Hereditary cancer-predisposing syndrome. Last evaluated: 2016-08-08. Review status: criteria provided, single submitter. Criteria: Ambry Variant Classification Scheme 2023. Collection method: clinical testing. Allele origin: germline.

NM_000075.4(CDK4):c.573T>C (p.Tyr191=)

Gene: CDK4 (cyclin dependent kinase 4; minus strand). Cytogenetic location: 12q14.1.
Variant type: single nucleotide variant.
Coding change: c.573T>C on transcript NM_000075.4 (MANE Select); coding-DNA position 573, T replaced by C.
Protein change: p.Tyr191=; no amino-acid change (tyrosine 191 retained).
Molecular consequence: synonymous variant.
Genome position (GRCh38, 1-based): chr12:57,750,715, A>G on the plus strand (T>C on the coding strand, the complement: CDK4 is on the minus strand). VCF-style: chr12-57750715-A-G. GRCh37 (hg19) VCF-style: chr12-58144498-A-G.
Identifiers: ClinVar variation 236944 (VCV000236944.18), dbSNP rs878853623, ClinGen allele CA10583051.
Genomic context (GRCh38, chr12:57,750,715, plus strand): 5'-CTTTCGACGAAACATCTCTGCAAAGATACAGCCAACACTCCACATGTCCACAGGTGTTGC[A>G]TATGTGGACTGCAGAAGAACTTCGGGAGCTCGGTACCAGAGTGTAACAACCTAAAGGGAA-3'
Protein context (NP_000066.1, residues 181-201): RAPEVLLQST[Tyr191=]ATPVDMWSVG